The following is an entry in ClinVar:

ClinVar aggregate classification (germline): Uncertain significance. Review status: criteria provided, multiple submitters, no conflicts (2 of 4 stars). 2 submissions from 2 submitters: Uncertain significance (2). Last evaluated 2026-02-25.

Conditions:
Hereditary cancer-predisposing syndrome. Also called: Tumor predisposition; Hereditary Cancer Syndrome; Neoplastic Syndromes, Hereditary; Hereditary neoplastic syndrome. Identifiers: Orphanet 140162, MedGen C0027672, MeSH D009386, MONDO:0015356.

gnomAD v4.1: 1 of 1,578,128 alleles (0.000063%); highest among the groups gnomAD compares: Middle Eastern, 0.019%; no homozygotes.

Submissions (2):

Ambry Genetics
Classification: Uncertain significance for Hereditary cancer-predisposing syndrome. Last evaluated: 2026-02-25. Review status: criteria provided, single submitter. Criteria: Ambry Variant Classification Scheme 2023. Collection method: clinical testing. Allele origin: germline.
Comment: The p.T225A variant (also known as c.673A>G), located in coding exon 4 of the CHEK2 gene, results from an A to G substitution at nucleotide position 673. The threonine at codon 225 is replaced by alanine, an amino acid with similar properties. This amino acid position is well conserved in available vertebrate species. In addition, the in silico prediction for this alteration is inconclusive. Based on the available evidence, the clinical significance of this variant remains unclear.

Color Diagnostics, LLC DBA Color Health
Classification: Uncertain significance for Hereditary cancer-predisposing syndrome. Last evaluated: 2019-01-16. Review status: criteria provided, single submitter. Criteria: ACMG Guidelines, 2015. Collection method: clinical testing. Allele origin: germline.

NM_007194.4(CHEK2):c.673A>G (p.Thr225Ala)

Gene: CHEK2 (checkpoint kinase 2; minus strand). Cytogenetic location: 22q12.1.
Variant type: single nucleotide variant.
Coding change: c.673A>G on transcript NM_007194.4 (MANE Select); coding-DNA position 673, A replaced by G.
Protein change: p.Thr225Ala; replaces threonine 225 with alanine.
Molecular consequence: missense variant. On other transcripts: intron variant (1).
Genome position (GRCh38, 1-based): chr22:28,719,405, T>C on the plus strand (A>G on the coding strand, the complement: CHEK2 is on the minus strand). VCF-style: chr22-28719405-T-C. GRCh37 (hg19) VCF-style: chr22-29115393-T-C.
Other names: c.802A>G, p.Thr268Ala (NM_001005735.3, NM_001438294.1); c.10A>G, p.Thr4Ala (NM_001257387.3, NM_001437942.1); c.766A>G, p.Thr256Ala (NM_001438293.1, NM_001438295.1); c.673A>G, p.Thr225Ala (NM_145862.3); c.482+5481A>G (NM_001349956.3); short protein forms T225A, T4A, T268A, T256A.
Identifiers: ClinVar variation 491628 (VCV000491628.5), dbSNP rs1555924390, ClinGen allele CA411104870.